The following is an entry in ClinVar:

NM_000059.4(BRCA2):c.682-6T>G

Gene: BRCA2 (BRCA2 DNA repair associated; plus strand). Cytogenetic location: 13q13.1.
Variant type: single nucleotide variant.
Coding change: c.682-6T>G on transcript NM_000059.4 (MANE Select); 6 bases into the intron before coding-DNA position 682, T replaced by G.
Molecular consequence: intron variant.
Genome position (GRCh38, 1-based): chr13:32,330,913, T>G. VCF-style: chr13-32330913-T-G. GRCh37 (hg19) VCF-style: chr13-32905050-T-G.
Identifiers: ClinVar variation 1497246 (VCV001497246.8), dbSNP rs2137461043, ClinGen allele CA2573149300.

ClinVar aggregate classification (germline): Uncertain significance (1 of 4 stars; one submission).

Conditions:
Hereditary breast ovarian cancer syndrome. Also called: BRCA1- and BRCA2-Associated Hereditary Breast and Ovarian Cancer; Hereditary breast and ovarian cancer; Hereditary breast and/or ovarian cancer syndrome; Hereditary breast and ovarian cancer syndrome; Hereditary breast and ovarian cancer syndrome (HBOC); Breast and ovarian cancer. Identifiers: Orphanet 145, MedGen C0677776, MeSH D061325, MONDO:0003582. Disease mechanism: loss of function.

Submission:

Labcorp Genetics (formerly Invitae), Labcorp
Classification: Uncertain significance for Hereditary breast ovarian cancer syndrome. Last evaluated: 2021-06-30. Review status: criteria provided, single submitter. Criteria: Invitae Variant Classification Sherloc (09022015). Collection method: clinical testing. Allele origin: germline.
Comment: This sequence change falls in intron 8 of the BRCA2 gene. It does not directly change the encoded amino acid sequence of the BRCA2 protein. This variant is not present in population databases (ExAC no frequency). This variant has not been reported in the literature in individuals with BRCA2-related conditions. Algorithms developed to predict the effect of sequence changes on RNA splicing suggest that this variant may disrupt the consensus splice site, but this prediction has not been confirmed by published transcriptional studies. In summary, the available evidence is currently insufficient to determine the role of this variant in disease. Therefore, it has been classified as a Variant of Uncertain Significance.